The following is an entry in ClinVar:

NM_000360.4(TH):c.696-1_698delinsCGAG

Gene: TH (tyrosine hydroxylase; minus strand). Cytogenetic location: 11p15.5.
Variant type: Indel.
Coding change: c.696-1_698delinsCGAG on transcript NM_000360.4 (MANE Select); the canonical splice acceptor site of the intron before coding-DNA position 696 through coding-DNA position 698, GGAA replaced by CGAG.
Molecular consequence: splice acceptor variant. On other transcripts: intron variant (2).
Genome position (GRCh38, 1-based): chr11:2,167,030-2,167,033, TTCC replaced by CTCG on the plus strand (GGAA replaced by CGAG on the coding strand, the reverse complement: TH is on the minus strand). VCF-style: chr11-2167030-TTCC-CTCG. GRCh37 (hg19) VCF-style: chr11-2188260-TTCC-CTCG.
Other names: c.695+402_695+405delinsCGAG (NM_001440537.1); c.777-1_779delinsCGAG (NM_199293.3); c.707+402_707+405delinsCGAG (NM_001440536.1); c.708-1_710delinsCGAG (NM_001440535.1); c.789-1_791delinsCGAG (NM_199292.3).
Identifiers: ClinVar variation 4817047 (VCV004817047.1).

ClinVar aggregate classification (germline): Likely pathogenic (1 of 4 stars; one submission).

Conditions:
TH-deficient dopa-responsive dystonia. Also called: Tyrosine Hydroxylase-Deficient Dopa-Responsive Dystonia; Segawa syndrome, autosomal recessive; DYT-TH. Identifiers: Orphanet 101150, MedGen C2673535, MONDO:0011551, OMIM 605407.

Submission:

Natera, Inc.
Classification: Likely pathogenic for Autosomal recessive Segawa syndrome. Last evaluated: 2024-09-04. Review status: criteria provided, single submitter. Criteria: Natera Variant Classification Schema (03/2026). Collection method: clinical testing. Allele origin: germline.
Comment: The c.789-1_791delinsCGAG variant in TH is a canonical splice acceptor site variant predicted to affect pre-mRNA splicing, which may result in an abnormal transcript and altered protein product. This variant is expected to result in nonsense mediated decay, truncation, or a dysfunctional protein product. This variant is rare in the general population with a frequency below the threshold expected for the associated phenotype(s). Given the available evidence, this variant is classified as Likely Pathogenic.